The following is an entry in ClinVar:

ClinVar aggregate classification (germline): Uncertain significance (1 of 4 stars; one submission).

Allele frequency attached by ClinVar (database versions not stated): TOPMed 0.00003; gnomAD 0.00004; gnomAD exomes 0.00005; ExAC 0.00007; ESP Exome Variant Server 0.00008; 1000 Genomes Project 30x 0.00016; 1000 Genomes Project 0.00020.
gnomAD v4.1: 86 of 1,614,162 alleles (0.0053%); highest among the groups gnomAD compares: South Asian, 0.019%; 1 homozygote.

Submission:

Ambry Genetics
Classification: Uncertain significance. Last evaluated: 2024-11-11. Review status: criteria provided, single submitter. Criteria: Ambry Variant Classification Scheme 2023. Collection method: clinical testing. Allele origin: germline.
Comment: The p.R1042H variant (also known as c.3125G>A), located in coding exon 4 of the ALPK2 gene, results from a G to A substitution at nucleotide position 3125. The arginine at codon 1042 is replaced by histidine, an amino acid with highly similar properties. This amino acid position is conserved. In addition, this alteration is predicted to be tolerated by in silico analysis. Since supporting evidence is limited at this time, the clinical significance of this alteration remains unclear.

NM_052947.4(ALPK2):c.3125G>A (p.Arg1042His)

Gene: ALPK2 (alpha kinase 2; minus strand). Cytogenetic location: 18q21.31.
Variant type: single nucleotide variant.
Coding change: c.3125G>A on transcript NM_052947.4 (MANE Select); coding-DNA position 3125, G replaced by A.
Protein change: p.Arg1042His; replaces arginine 1042 with histidine.
Molecular consequence: missense variant.
Genome position (GRCh38, 1-based): chr18:58,537,062, C>T on the plus strand (G>A on the coding strand, the complement: ALPK2 is on the minus strand). VCF-style: chr18-58537062-C-T. GRCh37 (hg19) VCF-style: chr18-56204294-C-T.
Other names: short protein forms R1042H.
Identifiers: ClinVar variation 1727890 (VCV001727890.3), dbSNP rs181160338, ClinGen allele CA8976956.